The following is an entry in ClinVar:

ClinVar aggregate classification (germline): Uncertain significance (1 of 4 stars; one submission).

Conditions:
Microcephaly, normal intelligence and immunodeficiency (NBS). Also called: IMMUNODEFICIENCY, MICROCEPHALY, AND CHROMOSOMAL INSTABILITY; SEEMANOVA SYNDROME II; Nijmegen breakage syndrome; Microcephaly with normal intelligence immunodeficiency and lymphoreticular malignancies; Nonsyndromal microcephaly autosomal recessive with normal intelligence; Seemanova syndrome 2. Identifiers: Orphanet 647, MedGen C0398791, MONDO:0009623, OMIM 251260.

Submission:

Labcorp Genetics (formerly Invitae), Labcorp
Classification: Uncertain significance for Microcephaly, normal intelligence and immunodeficiency. Last evaluated: 2023-12-30. Review status: criteria provided, single submitter. Criteria: Invitae Variant Classification Sherloc (09022015). Collection method: clinical testing. Allele origin: germline.
Comment: This sequence change replaces isoleucine, which is neutral and non-polar, with threonine, which is neutral and polar, at codon 97 of the NBN protein (p.Ile97Thr). This variant is not present in population databases (gnomAD no frequency). This variant has not been reported in the literature in individuals affected with NBN-related conditions. ClinVar contains an entry for this variant (Variation ID: 461555). An algorithm developed to predict the effect of missense changes on protein structure and function (PolyPhen-2) suggests that this variant is likely to be disruptive. In summary, the available evidence is currently insufficient to determine the role of this variant in disease. Therefore, it has been classified as a Variant of Uncertain Significance.

NM_002485.5(NBN):c.290T>C (p.Ile97Thr)

Gene: NBN (nibrin; minus strand). Cytogenetic location: 8q21.3.
Variant type: single nucleotide variant.
Coding change: c.290T>C on transcript NM_002485.5 (MANE Select); coding-DNA position 290, T replaced by C.
Protein change: p.Ile97Thr; replaces isoleucine 97 with threonine.
Molecular consequence: missense variant.
Genome position (GRCh38, 1-based): chr8:89,981,405, A>G on the plus strand (T>C on the coding strand, the complement: NBN is on the minus strand). VCF-style: chr8-89981405-A-G. GRCh37 (hg19) VCF-style: chr8-90993633-A-G.
Other names: c.44T>C, p.Ile15Thr (NM_001024688.3); short protein forms I97T, I15T.
Identifiers: ClinVar variation 461555 (VCV000461555.8), dbSNP rs1554568295, ClinGen allele CA371662385.
Genomic context (GRCh38, chr8:89,981,405, plus strand): 5'-CATTTTAAAATCAATTTTAAAATGTCTTACCTGAATTTACTTCCAAACACTCCAAAAGTA[A>G]TACCATCCCCCGACTTCAAAGTTCGGGAAAAGCCATTCTGCATTTTTTCCTCATTAACAA-3'
Protein context (NP_002476.2, residues 87-107): FSRTLKSGDG[Ile97Thr]TFGVFGSKFR